The following is an entry in ClinVar:

NM_019892.6(INPP5E):c.53C>T (p.Pro18Leu)

Gene: INPP5E (inositol polyphosphate-5-phosphatase E; minus strand). Cytogenetic location: 9q34.3.
Variant type: single nucleotide variant.
Coding change: c.53C>T on transcript NM_019892.6 (MANE Select); coding-DNA position 53, C replaced by T.
Protein change: p.Pro18Leu; replaces proline 18 with leucine.
Molecular consequence: missense variant.
Genome position (GRCh38, 1-based): chr9:136,439,367, G>A on the plus strand (C>T on the coding strand, the complement: INPP5E is on the minus strand). VCF-style: chr9-136439367-G-A. GRCh37 (hg19) VCF-style: chr9-139333819-G-A.
Other names: c.53C>T, p.Pro18Leu (NM_001318502.2); short protein forms P18L.
Identifiers: ClinVar variation 1417633 (VCV001417633.5), dbSNP rs1295075168, ClinGen allele CA375571784.

ClinVar aggregate classification (germline): Uncertain significance (1 of 4 stars; one submission).

Conditions:
Joubert syndrome. Also called: CEREBELLOPARENCHYMAL DISORDER IV; JOUBERT-BOLTSHAUSER SYNDROME; Familial aplasia of the vermis. Identifiers: Orphanet 475, MedGen C5979921, MONDO:0018772.

Allele frequency attached by ClinVar (database versions not stated): TOPMed below 0.00001; gnomAD 0.00001; gnomAD exomes below 0.00001.
gnomAD v4.1: 2 of 1,453,756 alleles (0.00014%); highest among the groups gnomAD compares: African/African-American, 0.0015%; no homozygotes.

Submission:

Labcorp Genetics (formerly Invitae), Labcorp
Classification: Uncertain significance for Joubert syndrome. Last evaluated: 2022-03-09. Review status: criteria provided, single submitter. Criteria: Invitae Variant Classification Sherloc (09022015). Collection method: clinical testing. Allele origin: germline.
Comment: This sequence change replaces proline, which is neutral and non-polar, with leucine, which is neutral and non-polar, at codon 18 of the INPP5E protein (p.Pro18Leu). This variant is present in population databases (no rsID available, gnomAD 0.01%). This variant has not been reported in the literature in individuals affected with INPP5E-related conditions. Advanced modeling of protein sequence and biophysical properties (such as structural, functional, and spatial information, amino acid conservation, physicochemical variation, residue mobility, and thermodynamic stability) performed at Invitae indicates that this missense variant is not expected to disrupt INPP5E protein function. In summary, the available evidence is currently insufficient to determine the role of this variant in disease. Therefore, it has been classified as a Variant of Uncertain Significance.